The following is an entry in ClinVar:

NM_017612.5(ZCCHC8):c.115G>A (p.Glu39Lys)

Gene: ZCCHC8 (zinc finger CCHC-type containing 8; minus strand). Cytogenetic location: 12q24.31.
Variant type: single nucleotide variant.
Coding change: c.115G>A on transcript NM_017612.5 (MANE Select); coding-DNA position 115, G replaced by A.
Protein change: p.Glu39Lys; replaces glutamic acid 39 with lysine.
Molecular consequence: missense variant. On other transcripts: 5 prime UTR variant (3).
Genome position (GRCh38, 1-based): chr12:122,500,726, C>T on the plus strand (G>A on the coding strand, the complement: ZCCHC8 is on the minus strand). VCF-style: chr12-122500726-C-T. GRCh37 (hg19) VCF-style: chr12-122985273-C-T.
Other names: c.115G>A (NM_017612.3); c.115G>A, p.Glu39Lys (NM_001350935.2); c.-809G>A (NM_001350936.2); c.-430G>A (NM_001350937.2); c.-324G>A (NM_001350938.2); short protein forms E39K.
Identifiers: ClinVar variation 2988933 (VCV002988933.4), dbSNP rs1290098713, ClinGen allele CA482210690.
Genomic context (GRCh38, chr12:122,500,726, plus strand): 5'-TCTCCTCGCACTGCCGAAGCCGCTCCCGTAGCTCCGCGTCGCCGACCCCATTTTCGTCCT[C>T]CTCGTCGCCGTCGTCGTCCTTGAAGCGAGTGTGAACGGGCTTCGGAATCGACTCCTCTGG-3'
Protein context (NP_060082.2, residues 29-49): TRFKDDDGDE[Glu39Lys]DENGVGDAEL

ClinVar aggregate classification (germline): Uncertain significance. Review status: criteria provided, multiple submitters, no conflicts (2 of 4 stars). 2 submissions from 2 submitters: Uncertain significance (2). Last evaluated 2025-08-13.

Allele frequency attached by ClinVar (database versions not stated): gnomAD 0.00001; gnomAD exomes 0.00001; TOPMed 0.00001.
gnomAD v4.1: 10 of 1,583,724 alleles (0.00063%); highest among the groups gnomAD compares: Non-Finnish European, 0.00034%; no homozygotes.

Submissions (2):

Labcorp Genetics (formerly Invitae), Labcorp
Classification: Uncertain significance. Last evaluated: 2025-08-13. Review status: criteria provided, single submitter. Criteria: Invitae Variant Classification Sherloc (09022015). Collection method: clinical testing. Allele origin: germline.
Comment: This sequence change replaces glutamic acid, which is acidic and polar, with lysine, which is basic and polar, at codon 39 of the ZCCHC8 protein (p.Glu39Lys). The frequency data for this variant in the population databases is considered unreliable, as metrics indicate poor data quality at this position in the gnomAD database. This variant has not been reported in the literature in individuals affected with ZCCHC8-related conditions. ClinVar contains an entry for this variant (Variation ID: 2988933). Experimental studies and prediction algorithms are not available or were not evaluated, and the functional significance of this variant is currently unknown. In summary, the available evidence is currently insufficient to determine the role of this variant in disease. Therefore, it has been classified as a Variant of Uncertain Significance.

Ambry Genetics
Classification: Uncertain significance. Last evaluated: 2024-02-28. Review status: criteria provided, single submitter. Criteria: Ambry Variant Classification Scheme 2023. Collection method: clinical testing. Allele origin: germline.